The following is an entry in ClinVar:

NM_001035.3(RYR2):c.13810A>G (p.Lys4604Glu)

Gene: RYR2 (ryanodine receptor 2; plus strand). Cytogenetic location: 1q43.
Variant type: single nucleotide variant.
Coding change: c.13810A>G on transcript NM_001035.3 (MANE Select); coding-DNA position 13810, A replaced by G.
Protein change: p.Lys4604Glu; replaces lysine 4604 with glutamic acid.
Molecular consequence: missense variant.
Genome position (GRCh38, 1-based): chr1:237,793,894, A>G. VCF-style: chr1-237793894-A-G. GRCh37 (hg19) VCF-style: chr1-237957194-A-G.
Other names: short protein forms K4604E.
Identifiers: ClinVar variation 1022597 (VCV001022597.10), dbSNP rs1658760152, ClinGen allele CA345418040.

ClinVar aggregate classification (germline): Uncertain significance (1 of 4 stars; one submission).

Conditions:
Catecholaminergic polymorphic ventricular tachycardia 1. Also called: RYR2-Related Catecholaminergic Polymorphic Ventricular Tachycardia; VENTRICULAR TACHYCARDIA, CATECHOLAMINERGIC POLYMORPHIC, 1, WITH OR WITHOUT ATRIAL DYSFUNCTION AND/OR DILATED CARDIOMYOPATHY; VENTRICULAR TACHYCARDIA, STRESS-INDUCED POLYMORPHIC 1. Identifiers: Orphanet 3286, MedGen C1631597, MONDO:0011484, OMIM 604772.

Submission:

Labcorp Genetics (formerly Invitae), Labcorp
Classification: Uncertain significance for Catecholaminergic polymorphic ventricular tachycardia 1. Last evaluated: 2020-11-15. Review status: criteria provided, single submitter. Criteria: Invitae Variant Classification Sherloc (09022015). Collection method: clinical testing. Allele origin: germline.
Comment: This sequence change replaces lysine with glutamic acid at codon 4604 of the RYR2 protein (p.Lys4604Glu). The lysine residue is highly conserved and there is a small physicochemical difference between lysine and glutamic acid. This variant is not present in population databases (ExAC no frequency). This variant has not been reported in the literature in individuals with RYR2-related conditions. Advanced modeling of protein sequence and biophysical properties (such as structural, functional, and spatial information, amino acid conservation, physicochemical variation, residue mobility, and thermodynamic stability) performed at Invitae indicates that this missense variant is expected to disrupt RYR2 protein function. In summary, the available evidence is currently insufficient to determine the role of this variant in disease. Therefore, it has been classified as a Variant of Uncertain Significance.